The following is an entry in ClinVar:

NM_152564.5(VPS13B):c.10080del (p.Thr3361fs)

Gene: VPS13B (vacuolar protein sorting 13 homolog B; plus strand). Cytogenetic location: 8q22.2.
Variant type: Deletion.
Coding change: c.10080del on transcript NM_152564.5 (MANE Select); coding-DNA position 10080, one base deleted (T; older notation c.10080delT).
Protein change: p.Thr3361fs; shifts the reading frame from threonine 3361.
Molecular consequence: frameshift variant.
Genome position (GRCh38, 1-based): chr8:99,853,469, T deleted; the last of 2 consecutive T bases (chr8:99,853,468-99,853,469); deleting either gives the same sequence. VCF-style (leftmost placement, unchanged base first): chr8-99853467-GT-G. GRCh37 (hg19) VCF-style: chr8-100865695-GT-G.
Other names: c.10155del, p.Thr3386fs (NM_017890.5); short protein forms T3386fs, T3361fs.
Identifiers: ClinVar variation 3004180 (VCV003004180.4), dbSNP rs778380938, ClinGen allele CA4824882.

ClinVar aggregate classification (germline): Pathogenic/Likely pathogenic. Review status: criteria provided, multiple submitters, no conflicts (2 of 4 stars). 2 submissions from 2 submitters: Pathogenic (1); Likely pathogenic (1). Last evaluated 2023-05-22.

Conditions:
VPS13B-related disorder. Also called: VPS13B-related condition.
Cohen syndrome (COH1). Also called: PEPPER SYNDROME; Cutis verticis gyrata, retinitis pigmentosa, and sensorineural deafness. Identifiers: Orphanet 193, MedGen C0265223, MONDO:0008999, OMIM 216550.

Submissions (2):

Labcorp Genetics (formerly Invitae), Labcorp
Classification: Pathogenic for Cohen syndrome. Last evaluated: 2023-05-22. Review status: criteria provided, single submitter. Criteria: Invitae Variant Classification Sherloc (09022015). Collection method: clinical testing. Allele origin: germline.
Comment: This sequence change creates a premature translational stop signal (p.Thr3386Hisfs*9) in the VPS13B gene. It is expected to result in an absent or disrupted protein product. Loss-of-function variants in VPS13B are known to be pathogenic (PMID: 15141358, 16648375, 20461111). For these reasons, this variant has been classified as Pathogenic. This variant has not been reported in the literature in individuals affected with VPS13B-related conditions. This variant is present in population databases (rs778380938, gnomAD 0.004%).

Blueprint Genetics
Classification: Likely pathogenic for VPS13B-related disorders. Last evaluated: 2022-08-17. Review status: criteria provided, single submitter. Criteria: ACMG Guidelines, 2015. Collection method: clinical testing. Allele origin: germline. Affected: yes. Observed: 2 variant alleles.

Literature cited by the submitters: PubMed 15141358 (cited by Labcorp Genetics (formerly Invitae), Labcorp); PubMed 16648375 (cited by Labcorp Genetics (formerly Invitae), Labcorp); PubMed 20461111 (cited by Labcorp Genetics (formerly Invitae), Labcorp).